The following is an entry in ClinVar:

ClinVar aggregate classification (germline): Likely benign (1 of 4 stars; one submission).

gnomAD v4.1: 131 of 1,611,056 alleles (0.0081%); highest among the groups gnomAD compares: Non-Finnish European, 0.01%; no homozygotes.

Submissions (2):

CeGaT Center for Human Genetics Tuebingen
Classification: Likely benign. Last evaluated: 2026-04-01. Review status: criteria provided, single submitter. Criteria: CeGaT Center For Human Genetics Tuebingen Variant Classification Criteria Version 2. Collection method: clinical testing. Allele origin: germline. Affected: yes. Observed: 1 variant allele.
Comment: PRMT7: BP4, BP7

Dr. Peter K. Rogan Lab, Western University
No classification provided (evidence only). Condition: Cervical cancer. Review status: no classification provided. Collection method: in vitro. Allele origin: not applicable. Functional consequence: retained intron. Not counted in ClinVar's aggregate classification.

NM_019023.5(PRMT7):c.1431C>T (p.Gly477=)

Gene: PRMT7 (protein arginine methyltransferase 7; plus strand). Cytogenetic location: 16q22.1.
Variant type: single nucleotide variant.
Coding change: c.1431C>T on transcript NM_019023.5 (MANE Select); coding-DNA position 1431, C replaced by T.
Protein change: p.Gly477=; no amino-acid change (glycine 477 retained).
Molecular consequence: synonymous variant. On other transcripts: non-coding transcript variant (12).
Genome position (GRCh38, 1-based): chr16:68,352,265, C>T. VCF-style: chr16-68352265-C-T. GRCh37 (hg19) VCF-style: chr16-68386168-C-T.
Other names: NC_000016.9:g.68386168C>T; c.1281C>T, p.Gly427= (NM_001184824.4); c.1431C>T, p.Gly477= (NM_001290018.2, NM_001351143.3, NM_001351144.3 and 1 more transcripts); c.1224C>T, p.Gly408= (NM_001378020.1); c.1194C>T, p.Gly398= (NM_001378021.1, NM_001378022.1, NM_001378023.1).
Identifiers: ClinVar variation 4414456 (VCV004414456.3).